The following is an entry in ClinVar:

ClinVar aggregate classification (germline): Likely pathogenic. Review status: reviewed by expert panel (3 of 4 stars). 3 submissions from 3 submitters: Likely pathogenic (1). 2 of the submissions do not count toward it. Last evaluated 2026-08-20.

Conditions:
Retinitis pigmentosa 20 (RP20). Identifiers: Orphanet 791, MedGen C3151086, MONDO:0013425, OMIM 613794.
Leber congenital amaurosis 2 (LCA2). Also called: AMAUROSIS CONGENITA OF LEBER II; Autosomal Recessive RPE65-Related Retinal Degeneration. Identifiers: Orphanet 65, MedGen C1859844, MONDO:0008765, OMIM 204100. Disease mechanism: loss of function.
RPE65-related recessive retinopathy. Also called: Recessive RPE65 retinopathy. Identifiers: MedGen CN305526, MONDO:0100368.
Leber congenital amaurosis (LCA). Also called: Leber's amaurosis. Identifiers: Orphanet 65, MedGen C0339527, MeSH D057130, MONDO:0018998.

Submissions (3):

ClinGen Leber Congenital Amaurosis/early Onset Retinal Dystrophy Variant Curation Expert Panel, ClinGen
Classification: Likely pathogenic for RPE65-related recessive retinopathy. Last evaluated: 2026-08-20. Review status: reviewed by expert panel. Criteria: ClinGen LCAeoRD ACMG Specifications RPE65 V1.0.0. Collection method: curation. Allele origin: germline. Inheritance: Autosomal recessive inheritance.
Comment: NM_000329.3(RPE65):c.434C>A is a missense variant that causes substitution of alanine with aspartic acid at position p.145. This variant is absent from gnomAD v4.1.1 (PM2_Supporting). At least one proband harboring this variant exhibits a phenotype including a diagnosis of fundus albipunctatus (2 pts) with genotyping by exome sequencing without finding an alternative explanation for disease (2 pts), nyctalopia (0.5 pts), onset at age 3.3 years (1 pt), undetectable dark-adapted electroretinogram (0.5 pts), and severely reduced light-adapted electroretinogram (1 pt), which together are specific for RPE65-related recessive retinopathy (7 total pts, PMID: 31273949, PP4). This variant has been reported in at least 2 probands with early-onset severe retinal dystrophy who were compound heterozygous with either the NM_000329.3(RPE65):c.200T>G (p.Leu67Arg) or the NM_000329.3(RPE65):c.1399C>G (p.Pro467Ala) variants confirmed in trans, which were previously classified pathogenic by the ClinGen LCA / eoRD VCEP (2 points, PMID: 23661369, PMID: 31273949, PM3_Strong). The variant has been reported to segregate with childhood-onset severe retinal dystrophy through the proband plus 1 similarly affected relative, with the variant present in the compound heterozygous state (PMID: 31273949, PP1). Two other missense variants in the same codon, NM_000329.3(RPE65):c.433G>A (p.Ala145Thr) (PMID: 26906952) and NM_000329.3(RPE65):c.433G>C (p.Ala145Pro) (PMID: 28224992) have been classified for RPE65-related recessive retinopathy by the ClinGen LCA / eoRD VCEP, however, the PM5 code has not been considered in order to avoid circularity. The computational predictor REVEL gives a score of 0.929, which is above the ClinGen LCA / eoRD VCEP threshold of ≥ 0.773 and predicts a damaging effect on RPE65 function (PP3_Moderate). In summary, this variant meets the criteria to be classified as Likely Pathogenic for RPE65-related recessive retinopathy based on the ACMG/AMP criteria applied, as specified by the ClinGen LCA / eoRD VCEP: PM2_Supporting, PM3_Strong, PP1, PP3_Moderate, and PP4. (LCA/eoRD VCEP specifications version 1.0.0)

Natera, Inc.
Classification: Likely pathogenic for Leber congenital amaurosis. Last evaluated: 2025-08-18. Review status: criteria provided, single submitter. Criteria: Natera Variant Classification Schema (03/2026). Collection method: clinical testing. Allele origin: germline. Not counted in ClinVar's aggregate classification.
Comment: The c.434C>A variant in RPE65 is a missense variant predicted to cause substitution of alanine to aspartic acid at amino acid 145. This variant is rare in the general population with a frequency below the threshold expected for the associated phenotype(s). This variant has been observed in one or more individuals affected with the associated recessive disease, as either homozygous or compound heterozygous with a second variant (PMID: 23661369, 31273949). Additionally, this variant has been observed to segregate in affected family members (PMID: 23661369, 31273949). Computational prediction algorithms indicate this variant is likely to affect gene or protein function. Given the available evidence, this variant is classified as Likely Pathogenic.

Juno Genomics, Hangzhou Juno Genomics, Inc
Classification: Likely pathogenic for Leber congenital amaurosis 2; Retinitis pigmentosa 20. Review status: criteria provided, single submitter. Criteria: ACMG Guidelines, 2015. Collection method: clinical testing. Allele origin: germline. Affected: yes. Not counted in ClinVar's aggregate classification.
Comment: Absent from controls (or at extremely low frequency if recessive) in Genome Aggregation Database.;Multiple lines of computational evidence support a deleterious effect on the gene or gene product.;For recessive disorders, detected in trans with a pathogenic variant.;Patient's phenotype or family history is highly specific for a disease with a single genetic etiology.;Co-segregation with disease in multiple affected family members.

Literature cited by the submitters: PubMed 23661369 (cited by Natera, Inc.); PubMed 31273949 (cited by Natera, Inc.).

NM_000329.3(RPE65):c.434C>A (p.Ala145Asp)

Gene: RPE65 (retinoid isomerohydrolase RPE65; minus strand). Cytogenetic location: 1p31.3.
Variant type: single nucleotide variant.
Coding change: c.434C>A on transcript NM_000329.3 (MANE Select); coding-DNA position 434, C replaced by A.
Protein change: p.Ala145Asp; replaces alanine 145 with aspartic acid.
Molecular consequence: missense variant.
Genome position (GRCh38, 1-based): chr1:68,444,592, G>T on the plus strand (C>A on the coding strand, the complement: RPE65 is on the minus strand). VCF-style: chr1-68444592-G-T. GRCh37 (hg19) VCF-style: chr1-68910275-G-T.
Other names: NM_000329.3:c.434C>A; NM_000329.3(RPE65):c.434C>A; p.Ala145Asp; c.326C>A, p.Ala109Asp (NM_001406853.1); c.158C>A, p.Ala53Asp (NM_001406856.1, NM_001406857.1); c.434C>A, p.Ala145Asp (NM_001406859.1, NM_001406860.1); c.434C>A (NM_000329.2); short protein forms A53D, A109D, A145D.
Identifiers: ClinVar variation 3024117 (VCV003024117.4), dbSNP rs2523444526, ClinGen allele CA340747756.
Genomic context (GRCh38, chr1:68,444,592, plus strand): 5'-TGCTTAATTGTCTCCAAGGTCTCTGGATTAATCTTTGTAATAAAGTTGGTCTCTGTGCAA[G>T]CGTAGTAATCTTCCCCCACTGGGTAGACATTAACAAGGGCATTGTCAGTAACCTCTACTC-3'
Protein context (NP_000320.1, residues 135-155): NVYPVGEDYY[Ala145Asp]CTETNFITKI